The following is an entry in ClinVar:

ClinVar aggregate classification (germline): Pathogenic (0 of 4 stars; one submission).

Submission:

Quest Diagnostics Nichols Institute San Juan Capistrano
Classification: Pathogenic. Last evaluated: 2021-04-01. Review status: no assertion criteria provided. Collection method: clinical testing. Allele origin: germline.
Comment: The deletion of Xq28 is reciprocal to the recurrent Xq28 microduplication syndrome region (OMIM 300815), and both are mediated by nonallelic homologous recombination between two directly oriented int22h repeats. Happloinsufficiency of F8, in males, can cause hemophilia A (OMIM 306700). RAB39B can cause X-linked recessive mental retardation 72 (OMIM 300271) or Waisman syndrome (OMIM 311510). Further, hemizygous mutation of CLIC2 in males can cause syndromic X-linked mental retardation-32 (OMIM: 300886). Moreover, deletion involving BRCC3 and MTCP1 has been identified as an etiology for Moyamoya disease 4 (OMIM 300845). Unlike Xq28 microduplication which is characterized by cognitive impairment, behavioral problems, and distinctive facial features in affected male and milder phenotypes in female carriers, the reciprocal deletion in males has been proposed to result in X-linked recessive fetal lethality while female carriers are reportedly unaffected, due to skewed chromosome X inactivation (El-Hattab et al. J Med Genet. 2011 Dec embryonic/;48(12):840-50. PMID: 21984752; El-Hattab et al. BMC Med Genet. 2015 Mar 14;16:12. PMID: 25927380). X-inactivation status may factor in the clinical features of females with this deletion.

GRCh37/hg19 Xq28(chrX:154120629-154565718)x0

Genes: BRCC3 (BRCA1/BRCA2-containing complex subunit 3; plus strand), CLIC2 (chloride intracellular channel 2; minus strand), CMC4 (C-X9-C motif containing 4; minus strand), F8 (coagulation factor VIII; minus strand), FUNDC2 (FUN14 domain containing 2; plus strand) and 3 more. Cytogenetic location: Xq28.
Variant type: copy number loss.
Change: copy number 0 of chrX:154,120,629-154,565,718 (445.1 kb, GRCh37 coordinates, 1-based), cytogenetic band Xq28.
Identifiers: ClinVar variation 1340345 (VCV001340345.1).